The following is an entry in ClinVar:

ClinVar aggregate classification (germline): Pathogenic (1 of 4 stars; one submission).

Submission:

Labcorp Genetics (formerly Invitae), Labcorp
Classification: Pathogenic. Last evaluated: 2023-04-20. Review status: criteria provided, single submitter. Criteria: Invitae Variant Classification Sherloc (09022015). Collection method: clinical testing. Allele origin: germline.
Comment: This sequence change creates a premature translational stop signal (p.Cys994*) in the SLC12A3 gene. While this is not anticipated to result in nonsense mediated decay, it is expected to disrupt the last 37 amino acid(s) of the SLC12A3 protein. This variant is not present in population databases (gnomAD no frequency). This variant has not been reported in the literature in individuals affected with SLC12A3-related conditions. This variant disrupts a region of the SLC12A3 protein in which other variant(s) (p.Thr1026Ile) have been determined to be pathogenic (PMID: 18391953, 21415153). This suggests that this is a clinically significant region of the protein, and that variants that disrupt it are likely to be disease-causing. For these reasons, this variant has been classified as Pathogenic.

Literature cited by the submitters: PubMed 18391953; PubMed 21415153.

NM_001126108.2(SLC12A3):c.2955C>A (p.Cys985Ter)

Genes: SLC12A3 (solute carrier family 12 member 3; plus strand), LOC126862361 (CDK7 strongly-dependent group 2 enhancer GRCh37_chr16:56946332-56947531; plus strand). Cytogenetic location: 16q13.
Variant type: single nucleotide variant.
Coding change: c.2955C>A on transcript NM_001126108.2 (MANE Select); coding-DNA position 2955, C replaced by A.
Protein change: p.Cys985Ter; replaces cysteine 985 with a stop codon.
Molecular consequence: nonsense.
Genome position (GRCh38, 1-based): chr16:56,913,294, C>A. VCF-style: chr16-56913294-C-A. GRCh37 (hg19) VCF-style: chr16-56947206-C-A.
Other names: c.2982C>A, p.Cys994Ter (NM_000339.3); c.2979C>A, p.Cys993Ter (NM_001126107.2); c.2952C>A, p.Cys984Ter (NM_001410896.1); short protein forms C984*, C993*, C994*, C985*.
Identifiers: ClinVar variation 2982111 (VCV002982111.3), dbSNP rs2144793155, ClinGen allele CA396005745.